The following is an entry in ClinVar:

ClinVar aggregate classification (germline): Uncertain significance. Review status: criteria provided, single submitter (1 of 4 stars). 2 submissions from 2 submitters: Uncertain significance (1). 1 of the submissions does not count toward it. Last evaluated 2024-05-06.

Conditions:
ITSN2-related disorder. Also called: ITSN2-related condition.

Allele frequency attached by ClinVar (database versions not stated): gnomAD exomes below 0.00001; TOPMed below 0.00001.
gnomAD v4.1: 1 of 1,601,674 alleles (0.000062%); highest among the groups gnomAD compares: Non-Finnish European, 0.000085%; no homozygotes.

Submissions (2):

Labcorp Genetics (formerly Invitae), Labcorp
Classification: Uncertain significance. Last evaluated: 2024-05-06. Review status: criteria provided, single submitter. Criteria: Invitae Variant Classification Sherloc (09022015). Collection method: clinical testing. Allele origin: germline.
Comment: This sequence change creates a premature translational stop signal (p.Tyr766*) in the ITSN2 gene. It is expected to result in an absent or disrupted protein product. However, the current clinical and genetic evidence is not sufficient to establish whether loss-of-function variants in ITSN2 cause disease. This variant is not present in population databases (gnomAD no frequency). This variant has not been reported in the literature in individuals affected with ITSN2-related conditions. In summary, the available evidence is currently insufficient to determine the role of this variant in disease. Therefore, it has been classified as a Variant of Uncertain Significance.

PreventionGenetics, part of Exact Sciences
Classification: Uncertain significance for ITSN2-related condition. Last evaluated: 2024-01-25. Review status: no assertion criteria provided. Collection method: clinical testing. Allele origin: germline. Not counted in ClinVar's aggregate classification.
Comment: The ITSN2 c.2298C>A variant is predicted to result in premature protein termination (p.Tyr766*). To our knowledge, this variant has not been reported in the literature or in a large population database, indicating this variant is rare. The role of this gene and the loss-of-function variants of this gene to human diseases are largely unknown. At this time, the clinical significance of this variant is uncertain due to the absence of conclusive functional and genetic evidence.

NM_006277.3(ITSN2):c.2298C>A (p.Tyr766Ter)

Gene: ITSN2 (intersectin 2; minus strand). Cytogenetic location: 2p23.3.
Variant type: single nucleotide variant.
Coding change: c.2298C>A on transcript NM_006277.3 (MANE Select); coding-DNA position 2298, C replaced by A.
Protein change: p.Tyr766Ter; replaces tyrosine 766 with a stop codon.
Molecular consequence: nonsense.
Genome position (GRCh38, 1-based): chr2:24,270,728, G>T on the plus strand (C>A on the coding strand, the complement: ITSN2 is on the minus strand). VCF-style: chr2-24270728-G-T. GRCh37 (hg19) VCF-style: chr2-24493597-G-T.
Other names: c.2298C>A (NM_006277.2); c.2256C>A, p.Tyr752Ter (NM_001348181.2); c.2178C>A, p.Tyr726Ter (NM_001348182.2, NM_001348186.2); c.2217C>A, p.Tyr739Ter (NM_001348183.2, NM_019595.4); c.2175C>A, p.Tyr725Ter (NM_001348184.2); c.2259C>A, p.Tyr753Ter (NM_001348185.2); c.2298C>A, p.Tyr766Ter (NM_147152.3); short protein forms Y725*, Y739*, Y753*, Y726*, Y752*, Y766*.
Identifiers: ClinVar variation 2819053 (VCV002819053.5), dbSNP rs1677232616, ClinGen allele CA346029825.